The following is an entry in ClinVar:

ClinVar aggregate classification (germline): Uncertain significance (0 of 4 stars; one submission).

Conditions:
PLXNA2-related disorder. Also called: PLXNA2-related condition.

Submission:

PreventionGenetics, part of Exact Sciences
Classification: Uncertain significance for PLXNA2-related condition. Last evaluated: 2024-09-17. Review status: no assertion criteria provided. Collection method: clinical testing. Allele origin: germline.
Comment: The PLXNA2 c.4529A>T variant is predicted to result in the amino acid substitution p.Glu1510Val. To our knowledge, this variant has not been reported in the literature or in a large population database, indicating this variant is rare. At this time, the clinical significance of this variant is uncertain due to the absence of conclusive functional and genetic evidence.

NM_025179.4(PLXNA2):c.4529A>T (p.Glu1510Val)

Gene: PLXNA2 (plexin A2; minus strand). Cytogenetic location: 1q32.2.
Variant type: single nucleotide variant.
Coding change: c.4529A>T on transcript NM_025179.4 (MANE Select); coding-DNA position 4529, A replaced by T.
Protein change: p.Glu1510Val; replaces glutamic acid 1510 with valine.
Molecular consequence: missense variant.
Genome position (GRCh38, 1-based): chr1:208,038,956, T>A on the plus strand (A>T on the coding strand, the complement: PLXNA2 is on the minus strand). VCF-style: chr1-208038956-T-A. GRCh37 (hg19) VCF-style: chr1-208212301-T-A.
Other names: short protein forms E1510V.
Identifiers: ClinVar variation 3344676 (VCV003344676.1).